The following is an entry in ClinVar:

NM_002691.4(POLD1):c.960C>G (p.Ala320=)

Gene: POLD1 (DNA polymerase delta 1, catalytic subunit; plus strand). Cytogenetic location: 19q13.33.
Variant type: single nucleotide variant.
Coding change: c.960C>G on transcript NM_002691.4 (MANE Select); coding-DNA position 960, C replaced by G.
Protein change: p.Ala320=; no amino-acid change (alanine 320 retained).
Molecular consequence: synonymous variant. On other transcripts: non-coding transcript variant (1).
Genome position (GRCh38, 1-based): chr19:50,402,731, C>G. VCF-style: chr19-50402731-C-G. GRCh37 (hg19) VCF-style: chr19-50905988-C-G.
Other names: c.960C>G, p.Ala320= (NM_001256849.1, NM_001308632.1).
Identifiers: ClinVar variation 2840235 (VCV002840235.4), dbSNP rs761783513, ClinGen allele CA508182196.

ClinVar aggregate classification (germline): Benign/Likely benign. Review status: criteria provided, multiple submitters, no conflicts (2 of 4 stars). 2 submissions from 2 submitters: Benign (1); Likely benign (1). Last evaluated 2025-02-05.

Conditions:
POLD1-related polyposis and colorectal cancer syndrome (CRCS10). Also called: Colorectal cancer 10; COLORECTAL CANCER, SUSCEPTIBILITY TO, ON CHROMOSOME 19q; Colorectal cancer, susceptibility to, 10. Identifiers: Orphanet 220460, MedGen C2675481, MONDO:0012953, OMIM 612591.

Submissions (2):

Myriad Genetics, Inc.
Classification: Benign for POLD1-related polyposis and colorectal cancer syndrome. Last evaluated: 2025-02-05. Review status: criteria provided, single submitter. Criteria: Myriad Autosomal Dominant, Autosomal Recessive and X-Linked Classification Criteria (2023). Collection method: clinical testing. Allele origin: unknown.
Comment: This variant is considered benign. This variant is a silent/synonymous amino acid change and it is not expected to impact splicing.

Labcorp Genetics (formerly Invitae), Labcorp
Classification: Likely benign for POLD1-related polyposis and colorectal cancer syndrome. Last evaluated: 2023-04-19. Review status: criteria provided, single submitter. Criteria: Invitae Variant Classification Sherloc (09022015). Collection method: clinical testing. Allele origin: germline.